The following is an entry in ClinVar:

ClinVar aggregate classification (germline): Pathogenic. Review status: criteria provided, multiple submitters, no conflicts (2 of 4 stars). 15 submissions from 15 submitters: Pathogenic (13). 2 of the submissions do not count toward it. Last evaluated 2026-07-13.

Conditions:
Nephropathic cystinosis (CTNS). Also called: Abderhalden Lignac Kaufmann disease; Abderhalden-Kaufmann-Lignac syndrome; CYSTINOSIN, DEFECT OF; LYSOSOMAL CYSTINE TRANSPORT PROTEIN, DEFECT OF. Identifiers: Orphanet 213, Orphanet 411629, MedGen C2931187, MONDO:0100151, OMIM 219800.
Ocular cystinosis. Also called: Non-Nephropathic Cystinosis; Non-Nephropathic (Ocular) Cystinosis. Identifiers: Orphanet 213, Orphanet 411641, MedGen C2931013, MONDO:0009064, OMIM 219750.
Juvenile nephropathic cystinosis. Also called: Intermediate Cystinosis; CYSTINOSIS, LATE-ONSET JUVENILE OR ADOLESCENT NEPHROPATHIC TYPE; Later-Onset (Juvenile) Cystinosis. Identifiers: Orphanet 213, Orphanet 411634, MedGen C0268626, MONDO:0009066, OMIM 219900.
CTNS-related disorder. Also called: CTNS-related condition.
Cystinosis. Also called: Cystine diathesis; Cystine storage disease; Cystinoses. Identifiers: Orphanet 213, MedGen C4316899, MONDO:0016239.
Inborn genetic diseases. Identifiers: MedGen C0950123, MeSH D030342.

Allele frequency attached by ClinVar (database versions not stated): ExAC 0.00003; gnomAD exomes 0.00005 and 0.00007; TOPMed 0.00008; gnomAD 0.00009 and 0.00010.
gnomAD v4.1: 111 of 1,614,042 alleles (0.0069%); highest among the groups gnomAD compares: Non-Finnish European, 0.0092%; no homozygotes.

Submissions (15):

PreventionGenetics, part of Exact Sciences
Classification: Pathogenic for CTNS-related condition. Last evaluated: 2026-07-13. Review status: criteria provided, single submitter. Criteria: ACMG Guidelines, 2015. Collection method: clinical testing. Allele origin: germline.
Comment: The CTNS c.414G>A variant is predicted to result in premature protein termination (p.Trp138*). This variant has been reported in multiple families as causative for cystinosis (Shotelersuk et al. 1998. PubMed ID: 9792862; Town et al. 1998. PubMed ID: 9537412; McGowan-Jordan et al. 1999. PubMed ID: 10482956). This variant is reported in 0.010% of alleles in individuals of European (non-Finnish) descent in gnomAD. Nonsense variants in CTNS are expected to be pathogenic, and this variant has been consistently interpreted as pathogenic by other laboratories in the ClinVar database (ClinVar ID: 4443). This variant is interpreted as pathogenic.

Labcorp Genetics (formerly Invitae), Labcorp
Classification: Pathogenic for Inborn genetic diseases; Ocular cystinosis; Juvenile nephropathic cystinosis. Last evaluated: 2026-01-19. Review status: criteria provided, single submitter. Criteria: Invitae Variant Classification Sherloc (09022015). Collection method: clinical testing. Allele origin: germline.
Comment: This sequence change creates a premature translational stop signal (p.Trp138*) in the CTNS gene. It is expected to result in an absent or disrupted protein product. Loss-of-function variants in CTNS are known to be pathogenic (PMID: 9537412, 27102039). This variant is present in population databases (rs113994205, gnomAD 0.009%). This premature translational stop signal has been observed in individuals with cystinosis (PMID: 9537412, 9792862, 10482956). ClinVar contains an entry for this variant (Variation ID: 4443). Algorithms developed to predict the effect of sequence changes on RNA splicing suggest that this variant may disrupt the consensus splice site. For these reasons, this variant has been classified as Pathogenic.

Greenwood Genetic Center Diagnostic Laboratories, Greenwood Genetic Center
Classification: Pathogenic for Nephropathic cystinosis. Last evaluated: 2025-10-23. Review status: criteria provided, single submitter. Criteria: ACMG Guidelines, 2015. Collection method: clinical testing. Allele origin: germline. Affected: yes.
Comment: PVS1, PM2, PM3

Natera, Inc.
Classification: Pathogenic for Cystinosis. Last evaluated: 2025-07-28. Review status: criteria provided, single submitter. Criteria: Natera Variant Classification Schema (03/2026). Collection method: clinical testing. Allele origin: germline.
Comment: The c.414G>A variant in CTNS is a nonsense variant predicted to introduce a stop codon at amino acid 138. This variant is expected to result in nonsense mediated decay, truncation, or a dysfunctional protein product. This variant is rare in the general population with a frequency below the threshold expected for the associated phenotype(s). This variant has been observed in one or more individuals affected with the associated recessive disease, as either homozygous or compound heterozygous with a second variant (PMID: 10482956, 9792862). Additionally, this variant has been observed to segregate in affected family members (PMID: 10482956). Given the available evidence, this variant is classified as Pathogenic.

CeGaT Center for Human Genetics Tuebingen
Classification: Pathogenic. Last evaluated: 2024-04-01. Review status: criteria provided, single submitter. Criteria: CeGaT Center For Human Genetics Tuebingen Variant Classification Criteria Version 2. Collection method: clinical testing. Allele origin: germline. Affected: yes. Observed: 1 variant allele.
Comment: CTNS: PVS1, PM3:Strong, PM2

Baylor Genetics
Classification: Pathogenic for Nephropathic cystinosis. Last evaluated: 2024-03-27. Review status: criteria provided, single submitter. Criteria: ACMG Guidelines, 2015. Collection method: clinical testing. Allele origin: unknown.

Blueprint Genetics
Classification: Pathogenic for CTNS-related disorders. Last evaluated: 2024-03-05. Review status: criteria provided, single submitter. Criteria: ACMG Guidelines, 2015. Collection method: clinical testing. Allele origin: germline. Affected: yes. Observed: 5 variant alleles.

Daryl Scott Lab, Baylor College of Medicine
Classification: Pathogenic for CTNS-related disorder. Last evaluated: 2024-01-01. Review status: criteria provided, single submitter. Criteria: ACMG Guidelines, 2015. Collection method: clinical testing. Allele origin: maternal. Observed: 1 heterozygote.
Comment: PVS1, PS4, PM2, PP1

GeneDx
Classification: Pathogenic. Last evaluated: 2022-09-13. Review status: criteria provided, single submitter. Criteria: GeneDx Variant Classification Process June 2021. Collection method: clinical testing. Allele origin: germline. Affected: yes.
Comment: Nonsense variant predicted to result in protein truncation or nonsense mediated decay in a gene for which loss of function is a known mechanism of disease; Not observed at significant frequency in large population cohorts (gnomAD); This variant is associated with the following publications: (PMID: 9537412, 25525159, 9792862, 20301574)

Fulgent Genetics
Classification: Pathogenic for Ocular cystinosis; Nephropathic cystinosis; Juvenile nephropathic cystinosis. Last evaluated: 2022-02-11. Review status: criteria provided, single submitter. Criteria: ACMG Guidelines, 2015. Collection method: clinical testing. Allele origin: unknown.

Myriad Genetics, Inc.
Classification: Pathogenic for Nephropathic cystinosis. Last evaluated: 2019-12-20. Review status: criteria provided, single submitter. Criteria: Myriad Women's Health Autosomal Recessive and X-Linked Classification Criteria (2019). Collection method: clinical testing. Allele origin: unknown.
Comment: NM_004937.2(CTNS):c.414G>A(W138*) is classified as pathogenic in the context of cystinosis. Sources cited for classification include the following: PMID 9792862, 10482956 and 11855931. Classification of NM_004937.2(CTNS):c.414G>A(W138*) is based on the following criteria: The variant causes a premature termination codon that is expected to be targeted by nonsense-mediated mRNA decay and is reported in individuals with the relevant phenotype. Please note: this variant was assessed in the context of healthy population screening.

Knight Diagnostic Laboratories, Oregon Health and Sciences University
Classification: Pathogenic for Nephropathic cystinosis. Last evaluated: 2016-06-27. Review status: criteria provided, single submitter. Criteria: ACMG Guidelines, 2015. Collection method: clinical testing. Allele origin: germline. Affected: no. Study: CSER-NextGen.
Comment: The known nonsense variant, c.414G>A (p.Trp138Ter) introduces a stop codon at position 138 leading to a truncated cystinosin protein. In affected individuals within the American population, this variant is relatively common (~10%) (Shotelersuk V et al., 1998; Town et al. 1998; McGowan-Jordan J et al.1999), indicating that the prevalence of this variant in affected individuals is significantly higher than in controls. Several loss-of-function pathogenic variants (nonsense, frameshift, splice-site) have been reported, including a nonsense variant further downstream in exon 11 (Kalatzis V and Antignac C, 2003), suggesting loss-of-function as a mechanism of disease. The variant is observed in population databases (ExAc, 1000 Genomes, ESP) a frequency below what is expected carrier rate based on disease prevalence. This substitution co-segregates with disease (Town et al. 1998, McGowan-Jordan J et al.1999). This variant has recently been classified as pathogenic by a reputable clinical laboratory (Emory). Therefore, this variant is best interpreted as a Pathogenic variant for nephropathic cystinosis. We have confirmed this finding in our laboratory using Sanger sequencing

Eurofins Ntd Llc (ga)
Classification: Pathogenic. Last evaluated: 2015-04-24. Review status: criteria provided, single submitter. Criteria: EGL Classification Definitions 2015. Collection method: clinical testing. Allele origin: germline.

OMIM
Classification: Pathogenic for CYSTINOSIS, NEPHROPATHIC. Last evaluated: 1999-09-01. Review status: no assertion criteria provided. Collection method: literature only. Allele origin: germline. Not counted in ClinVar's aggregate classification.

GeneReviews
No classification provided. Condition: Nephropathic cystinosis. Review status: no classification provided. Collection method: literature only. Allele origin: unknown. Not counted in ClinVar's aggregate classification.

Literature cited by the submitters: PubMed 9537412 (cited by 3 submitters); PubMed 27102039 (cited by Labcorp Genetics (formerly Invitae), Labcorp); PubMed 9792862 (cited by 3 submitters); PubMed 10482956 (cited by 5 submitters); PubMed 11855931 (cited by Myriad Genetics, Inc.); PubMed 20301574 (cited by GeneReviews); NCBI Bookshelf NBK1400 (cited by GeneReviews).

NM_004937.3(CTNS):c.414G>A (p.Trp138Ter)

Genes: CTNS (cystinosin, lysosomal cystine transporter; plus strand), CTNS-AS1 (CTNS antisense RNA 1; minus strand). Cytogenetic location: 17p13.2.
Variant type: single nucleotide variant.
Coding change: c.414G>A on transcript NM_004937.3 (MANE Select); coding-DNA position 414, G replaced by A.
Protein change: p.Trp138Ter; replaces tryptophan 138 with a stop codon.
Molecular consequence: nonsense. On other transcripts: 5 prime UTR variant (4).
Genome position (GRCh38, 1-based): chr17:3,655,305, G>A. VCF-style: chr17-3655305-G-A. GRCh37 (hg19) VCF-style: chr17-3558599-G-A.
Other names: c.414G>A, p.Trp138Ter (NM_001031681.3, NM_001374492.1); c.-28G>A (NM_001374493.1, NM_001374494.1, NM_001374495.1 and 1 more transcripts); short protein forms W138*.
Identifiers: ClinVar variation 4443 (VCV000004443.54), dbSNP rs113994205, ClinGen allele CA340259.